The following is an entry in ClinVar:

NM_000834.5(GRIN2B):c.-47G>T

Gene: GRIN2B (glutamate ionotropic receptor NMDA type subunit 2B; minus strand). Cytogenetic location: 12p13.1.
Variant type: single nucleotide variant.
Coding change: c.-47G>T on transcript NM_000834.5 (MANE Select); 47 bases upstream of the start codon, G replaced by T.
Molecular consequence: 5 prime UTR variant.
Genome position (GRCh38, 1-based): chr12:13,979,956, C>A on the plus strand (G>T on the coding strand, the complement: GRIN2B is on the minus strand). VCF-style: chr12-13979956-C-A. GRCh37 (hg19) VCF-style: chr12-14132890-C-A.
Identifiers: ClinVar variation 682287 (VCV000682287.1), dbSNP rs199499610, ClinGen allele CA233161103.
Genomic context (GRCh38, chr12:13,979,956, plus strand): 5'-GTGAGGAAAAAATAAAATAGAATTTGCCCTACCTTGGTTTGTAGAAGCCAAACCTCTAGA[C>A]GGACAGATTAAGGGAGTGAGCATGTTGGGAATGTCCAGTCCCTTCTTCTCGCTTGCATAT-3'

ClinVar aggregate classification (germline): Likely benign (1 of 4 stars; one submission).

Allele frequency attached by ClinVar (database versions not stated): TOPMed 0.00001.

Submission:

GeneDx
Classification: Likely benign. Last evaluated: 2018-04-20. Review status: criteria provided, single submitter. Criteria: GeneDx Variant Classification (06012015). Collection method: clinical testing. Allele origin: germline. Affected: yes.
Comment: This variant is considered likely benign or benign based on one or more of the following criteria: it is a conservative change, it occurs at a poorly conserved position in the protein, it is predicted to be benign by multiple in silico algorithms, and/or has population frequency not consistent with disease.